The following is an entry in ClinVar:

ClinVar aggregate classification (germline): Pathogenic (0 of 4 stars; one submission).

Conditions:
X-linked ichthyosis with steryl-sulfatase deficiency (XLI). Also called: PLACENTAL STEROID SULFATASE DEFICIENCY; STEROID SULFATASE DEFICIENCY; STEROID SULFATASE DEFICIENCY DISEASE; STS DEFICIENCY; Ichthyosis, X-Linked; Recessive X-linked ichthyosis. Identifiers: Orphanet 461, MedGen C0079588, MONDO:0010622, OMIM 308100.

Submission:

Human Molecular Genetics Lab, Quaid-I-Azam University
Classification: Pathogenic for X-linked ichthyosis with steryl-sulfatase deficiency. Last evaluated: 2015-01-16. Review status: no assertion criteria provided. Collection method: research. Allele origin: maternal. Inheritance: X-linked inheritance. Affected: yes. Observed: 10 variant alleles. Study: Genetic Skin Disorders Investigation in Pakistan.
Comment: The characteristic sex-linked segregation of phenotype and concomitant finding of recurrent microdeletions at Xp22.31 in this report as well as in previous findings strongly suggest the clinical significance of these microdeletions in X-linked icthyosis

Literature cited by the submitters: PubMed 18413370; PubMed 3007328; PubMed 7208152.

NC_000023.11:g.(6560264_6560764)_(8187691_8193324)del

Genes: MIR4767 (microRNA 4767; plus strand), MIR651 (microRNA 651; plus strand), PNPLA4 (patatin like domain 4, phospholipase and triacylglycerol lipase; minus strand), PUDP (pseudouridine 5'-phosphatase; minus strand), STS (steroid sulfatase; plus strand) and 23 more. Cytogenetic location: Xp22.31.
Variant type: Deletion.
Identifiers: ClinVar variation 188048 (VCV000188048.3).